The following is an entry in ClinVar:

ClinVar aggregate classification (germline): Uncertain significance. Review status: criteria provided, multiple submitters, no conflicts (2 of 4 stars). 2 submissions from 2 submitters: Uncertain significance (2). Last evaluated 2025-08-23.

Conditions:
SH2B1-related disorder. Also called: SH2B1-related condition.

Allele frequency attached by ClinVar (database versions not stated): TOPMed 0.00001.

Submissions (2):

PreventionGenetics, part of Exact Sciences
Classification: Uncertain significance for SH2B1-related condition. Last evaluated: 2025-08-23. Review status: criteria provided, single submitter. Criteria: ACMG Guidelines, 2015. Collection method: clinical testing. Allele origin: germline.
Comment: The SH2B1 c.142dupT variant is predicted to result in a frameshift and premature protein termination (p.Tyr48Leufs*23). To our knowledge, this variant has not been reported in the literature or in a large population database (gnomAD), indicating this variant is rare. Frameshift variants in SH2B1 are not a well documented mechanism of disease. At this time, the clinical significance of this variant is uncertain due to the absence of conclusive functional and genetic evidence.

GeneDx
Classification: Uncertain significance. Last evaluated: 2023-03-22. Review status: criteria provided, single submitter. Criteria: GeneDx Variant Classification Process June 2021. Collection method: clinical testing. Allele origin: germline. Affected: yes.
Comment: Not observed at significant frequency in large population cohorts (gnomAD); Frameshift variant predicted to result in protein truncation or nonsense mediated decay in a gene or region of a gene for which loss of function is not a well-established mechanism of disease; Has not been previously published as pathogenic or benign to our knowledge

NM_001387430.1(SH2B1):c.142dup (p.Tyr48fs)

Gene: SH2B1 (SH2B adaptor protein 1; plus strand). Cytogenetic location: 16p11.2.
Variant type: Duplication.
Coding change: c.142dup on transcript NM_001387430.1 (MANE Select); coding-DNA position 142, one base duplicated (T; older notation c.142dupT).
Protein change: p.Tyr48fs; shifts the reading frame from tyrosine 48.
Molecular consequence: frameshift variant. On other transcripts: intron variant (1).
Genome position (GRCh38, 1-based): chr16:28,866,236, T duplicated. VCF-style (leftmost placement, unchanged base first): chr16-28866235-C-CT. GRCh37 (hg19) VCF-style: chr16-28877556-C-CT.
Other names: c.142dup, p.Tyr48fs (NM_001145795.2, NM_001145796.2, NM_001145797.2 and 4 more transcripts); c.-26-1138dup (NM_001308294.2); c.142dupT (NM_001145795.1); short protein forms Y48fs.
Identifiers: ClinVar variation 2580601 (VCV002580601.2), dbSNP rs1962682683, ClinGen allele CA976139807.